The following is an entry in ClinVar:

ClinVar aggregate classification (germline): Uncertain significance (1 of 4 stars; one submission).

gnomAD v4.1: 11 of 1,606,964 alleles (0.00068%); highest among the groups gnomAD compares: South Asian, 0.0056%; no homozygotes.

Submission:

GeneDx
Classification: Uncertain significance. Last evaluated: 2026-10-15. Review status: criteria provided, single submitter. Criteria: GeneDx Variant Classification Process June 2021. Collection method: clinical testing. Allele origin: germline.
Comment: Has not been previously published as pathogenic or benign to our knowledge; Not observed at significant frequency in large population cohorts (gnomAD); In silico analysis suggests that this missense variant does not alter protein structure/function

NM_001365276.2(TNXB):c.2471G>A (p.Arg824Gln)

Gene: TNXB (tenascin XB; minus strand). Cytogenetic location: 6p21.33.
Variant type: single nucleotide variant.
Coding change: c.2471G>A on transcript NM_001365276.2 (MANE Select); coding-DNA position 2471, G replaced by A.
Protein change: p.Arg824Gln; replaces arginine 824 with glutamine.
Molecular consequence: missense variant.
Genome position (GRCh38, 1-based): chr6:32,089,267, C>T on the plus strand (G>A on the coding strand, the complement: TNXB is on the minus strand). VCF-style: chr6-32089267-C-T. GRCh37 (hg19) VCF-style: chr6-32057044-C-T.
Other names: c.2471G>A, p.Arg824Gln (NM_001428335.1, NM_019105.8); short protein forms R824Q.
Identifiers: ClinVar variation 3342568 (VCV003342568.2).